The following is an entry in ClinVar:

ClinVar aggregate classification (germline): Likely benign (1 of 4 stars; one submission).

Conditions:
ANK1-related disorder. Also called: ANK1-related condition.

gnomAD v4.1: 1 of 1,614,234 alleles (0.000062%); highest among the groups gnomAD compares: Non-Finnish European, 0.000085%; no homozygotes.

Submission:

PreventionGenetics, part of Exact Sciences
Classification: Likely benign for ANK1-related condition. Last evaluated: 2024-10-17. Review status: criteria provided, single submitter. Criteria: ACMG Guidelines, 2015. Collection method: clinical testing. Allele origin: germline.
Comment: This variant is classified as likely benign based on ACMG/AMP sequence variant interpretation guidelines (Richards et al. 2015 PMID: 25741868, with internal and published modifications).

NM_000037.4(ANK1):c.4866G>A (p.Glu1622=)

Gene: ANK1 (ankyrin 1; minus strand). Cytogenetic location: 8p11.21.
Variant type: single nucleotide variant.
Coding change: c.4866G>A on transcript NM_000037.4 (MANE Select); coding-DNA position 4866, G replaced by A.
Protein change: p.Glu1622=; no amino-acid change (glutamic acid 1622 retained).
Molecular consequence: synonymous variant. On other transcripts: intron variant (1).
Genome position (GRCh38, 1-based): chr8:41,672,584, C>T on the plus strand (G>A on the coding strand, the complement: ANK1 is on the minus strand). VCF-style: chr8-41672584-C-T. GRCh37 (hg19) VCF-style: chr8-41530102-C-T.
Other names: c.4989G>A, p.Glu1663= (NM_001142446.2); c.4866G>A, p.Glu1622= (NM_020475.3, NM_020476.3); c.4538-158G>A (NM_020477.3).
Identifiers: ClinVar variation 4997182 (VCV004997182.1).
Genomic context (GRCh38, chr8:41,672,584, plus strand): 5'-TTCCTCCTGTTCAAGCAAATCGATAAGGCCATTTGTGGCATCTGAATCCACTGTGTCGTC[C>T]TCCACAAGTTCCAGAGAGCCCAACTCGGGGCCCCGCGGTTCCTCTGAGAGTGCCCCCTCC-3'
Protein context (NP_000028.3, residues 1612-1632): GPELGSLELV[Glu1622=]DDTVDSDATN